The following is an entry in ClinVar:

NM_001356.5(DDX3X):c.1052G>A (p.Arg351Gln)

Gene: DDX3X (DEAD-box helicase 3 X-linked; plus strand). Cytogenetic location: Xp11.4.
Variant type: single nucleotide variant.
Coding change: c.1052G>A on transcript NM_001356.5 (MANE Select); coding-DNA position 1052, G replaced by A.
Protein change: p.Arg351Gln; replaces arginine 351 with glutamine.
Molecular consequence: missense variant. On other transcripts: non-coding transcript variant (1).
Genome position (GRCh38, 1-based): chrX:41,345,206, G>A. VCF-style: chrX-41345206-G-A. GRCh37 (hg19) VCF-style: chrX-41204459-G-A.
Other names: c.1052G>A, p.Arg351Gln (NM_001193416.3); c.1004G>A, p.Arg335Gln (NM_001193417.3); c.494G>A, p.Arg165Gln (NM_001363819.1); c.1052G>A (NM_001193416.1); short protein forms R351Q, R165Q, R335Q.
Identifiers: ClinVar variation 374335 (VCV000374335.10), dbSNP rs1057518707, ClinGen allele CA16043708.

ClinVar aggregate classification (germline): Likely pathogenic. Review status: criteria provided, multiple submitters, no conflicts (2 of 4 stars). 5 submissions from 5 submitters: Likely pathogenic (3). 2 of the submissions do not count toward it. Last evaluated 2026-01-09.

Conditions:
Intellectual disability, X-linked 102 (MRXSSB). Also called: Intellectual developmental disorder, X-linked syndromic, Snijders Blok type. Identifiers: Orphanet 457260, MedGen C5393299, MONDO:0010497, OMIM 300958.

Submissions (5):

Dasa
Classification: Likely pathogenic. Last evaluated: 2026-01-09. Review status: criteria provided, single submitter. Criteria: DASA Assertion Criteria. Collection method: clinical testing. Allele origin: germline.
Comment: NM_001356.5(DDX3X):c.1052G>A (p.Arg351Gln) is a missense variant that results in the substitution of arginine with glutamine. This variant has been recurrently observed in individuals with DDX3X-related disorders (PMID: 26235985; PMID: 32135084; PMID: 40164730; PMID: 30349862; PMID: 32714884). Also, this variant is rare in population databases. Based on the currently available evidence, this variant is classified as likely pathogenic.

GeneDx
Classification: Likely pathogenic. Last evaluated: 2024-05-10. Review status: criteria provided, single submitter. Criteria: GeneDx Variant Classification Process June 2021. Collection method: clinical testing. Allele origin: germline. Affected: yes.
Comment: In silico analysis supports that this missense variant has a deleterious effect on protein structure/function; Not observed at significant frequency in large population cohorts (gnomAD); This variant is associated with the following publications: (PMID: 26235985, 30734472, 32852922, 37904618, 32135084, 27959697, 30349862, 32714884)

Genomic Research Center, Shahid Beheshti University of Medical Sciences
Classification: Likely pathogenic for Intellectual disability, X-linked 102. Last evaluated: 2017-12-18. Review status: criteria provided, single submitter. Criteria: ACMG Guidelines, 2015. Collection method: clinical testing. Allele origin: inherited. Affected: yes.

Baylor Genetics
Classification: Pathogenic for Intellectual disability, X-linked 102. Last evaluated: 2016-05-01. Review status: no assertion criteria provided. Collection method: clinical testing. Allele origin: maternal. Inheritance: X-linked inheritance. Affected: yes. Not counted in ClinVar's aggregate classification.

GeneReviews
No classification provided. Condition: Intellectual disability, X-linked 102. Review status: no classification provided. Collection method: literature only. Allele origin: germline. Not counted in ClinVar's aggregate classification.

Literature cited by the submitters: PubMed 26235985 (cited by Dasa and Baylor Genetics); PubMed 32135084 (cited by Dasa and GeneReviews); PubMed 40164730 (cited by Dasa); PubMed 30349862 (cited by Dasa); PubMed 32714884 (cited by Dasa); NCBI Bookshelf NBK561282 (cited by GeneReviews).